The following is an entry in ClinVar:

NM_022725.4(FANCF):c.352G>A (p.Gly118Ser)

Gene: FANCF (FA complementation group F; minus strand). Cytogenetic location: 11p14.3.
Variant type: single nucleotide variant.
Coding change: c.352G>A on transcript NM_022725.4 (MANE Select); coding-DNA position 352, G replaced by A.
Protein change: p.Gly118Ser; replaces glycine 118 with serine.
Molecular consequence: missense variant.
Genome position (GRCh38, 1-based): chr11:22,625,459, C>T on the plus strand (G>A on the coding strand, the complement: FANCF is on the minus strand). VCF-style: chr11-22625459-C-T. GRCh37 (hg19) VCF-style: chr11-22647005-C-T.
Other names: short protein forms G118S.
Identifiers: ClinVar variation 1937599 (VCV001937599.5), dbSNP rs1060501871, ClinGen allele CA380059217.
Genomic context (GRCh38, chr11:22,625,459, plus strand): 5'-GGGCAAGGCGGGCCAGGCTCTCTTGGAGTGTCTCCTCATCGGCGTCCCGGACGCCCGGGC[C>T]GGGAAAGAGTTGCTGCACCAGGTGGTAACGAGCTGCATCCCCGAGGGCCCGGTTCTCCAG-3'
Protein context (NP_073562.1, residues 108-128): RYHLVQQLFP[Gly118Ser]PGVRDADEET

ClinVar aggregate classification (germline): Uncertain significance (1 of 4 stars; one submission).

Conditions:
Fanconi anemia (FA). Also called: Fanconi's anemia. Identifiers: Orphanet 84, MedGen C0015625, MeSH D005199, MONDO:0019391.

Allele frequency attached by ClinVar (database versions not stated): gnomAD exomes below 0.00001.
gnomAD v4.1: 1 of 1,614,160 alleles (0.000062%); highest among the groups gnomAD compares: African/African-American, 0.0013%; no homozygotes.

Submission:

Labcorp Genetics (formerly Invitae), Labcorp
Classification: Uncertain significance for Fanconi anemia. Last evaluated: 2021-12-02. Review status: criteria provided, single submitter. Criteria: Invitae Variant Classification Sherloc (09022015). Collection method: clinical testing. Allele origin: germline.
Comment: Algorithms developed to predict the effect of missense changes on protein structure and function are either unavailable or do not agree on the potential impact of this missense change (SIFT: "Tolerated"; PolyPhen-2: "Probably Damaging"; Align-GVGD: "Class C0"). In summary, the available evidence is currently insufficient to determine the role of this variant in disease. Therefore, it has been classified as a Variant of Uncertain Significance. This variant has not been reported in the literature in individuals affected with FANCF-related conditions. This variant is not present in population databases (gnomAD no frequency). This sequence change replaces glycine, which is neutral and non-polar, with serine, which is neutral and polar, at codon 118 of the FANCF protein (p.Gly118Ser).